The following is an entry in ClinVar:

NM_000089.4(COL1A2):c.792+4A>T

Gene: COL1A2 (collagen type I alpha 2 chain; plus strand). Cytogenetic location: 7q21.3.
Variant type: single nucleotide variant.
Coding change: c.792+4A>T on transcript NM_000089.4 (MANE Select); 4 bases into the intron after coding-DNA position 792, A replaced by T.
Molecular consequence: intron variant.
Genome position (GRCh38, 1-based): chr7:94,408,827, A>T. VCF-style: chr7-94408827-A-T. GRCh37 (hg19) VCF-style: chr7-94038139-A-T.
Other names: c.792+4A>T (NM_000089.3).
Identifiers: ClinVar variation 3758054 (VCV003758054.3).

ClinVar aggregate classification (germline): Uncertain significance. Review status: criteria provided, multiple submitters, no conflicts (2 of 4 stars). 2 submissions from 2 submitters: Uncertain significance (2). Last evaluated 2025-06-17.

Conditions:
Cardiovascular phenotype. Identifiers: MedGen CN230736.
Ehlers-Danlos syndrome, classic type, 1 (EDSCL1). Also called: EHLERS-DANLOS SYNDROME, GRAVIS TYPE; EHLERS-DANLOS SYNDROME, SEVERE CLASSIC TYPE; Ehlers-Danlos syndrome, type 1; Ehlers-Danlos Syndrome, Classic Type, COL5A1-Related; EDS I. Identifiers: MedGen C0268335, MONDO:0019567, OMIM 130000.
Osteogenesis imperfecta type I (OI1). Also called: OI, TYPE I; OSTEOGENESIS IMPERFECTA TARDA; OSTEOGENESIS IMPERFECTA WITH BLUE SCLERAE; Osteogenesis imperfecta type 1; Lobstein's Disease; Lobstein disease. Identifiers: Orphanet 216796, Orphanet 666, MedGen C0023931, MONDO:0008146, OMIM 166200. Disease mechanism: loss of function.

Submissions (2):

Ambry Genetics
Classification: Uncertain significance for Cardiovascular phenotype. Last evaluated: 2025-06-17. Review status: criteria provided, single submitter. Criteria: Ambry Variant Classification Scheme 2023. Collection method: clinical testing. Allele origin: germline.
Comment: The c.792+4A>T intronic variant results from an A to T substitution 4 nucleotides after coding exon 16 in the COL1A2 gene. This nucleotide position is well conserved in available vertebrate species. In silico splice site analysis for this alteration is inconclusive. Based on the available evidence, the clinical significance of this variant remains unclear.

Labcorp Genetics (formerly Invitae), Labcorp
Classification: Uncertain significance for Osteogenesis imperfecta type I; Ehlers-Danlos syndrome, classic type, 1. Last evaluated: 2024-05-27. Review status: criteria provided, single submitter. Criteria: Invitae Variant Classification Sherloc (09022015). Collection method: clinical testing. Allele origin: germline.
Comment: This sequence change falls in intron 16 of the COL1A2 gene. It does not directly change the encoded amino acid sequence of the COL1A2 protein. It affects a nucleotide within the consensus splice site. This variant is present in population databases (rs751210502, gnomAD 0.0009%). This variant has not been reported in the literature in individuals affected with COL1A2-related conditions. Variants that disrupt the consensus splice site are a relatively common cause of aberrant splicing (PMID: 17576681, 9536098). Algorithms developed to predict the effect of sequence changes on RNA splicing suggest that this variant may disrupt the consensus splice site. In summary, the available evidence is currently insufficient to determine the role of this variant in disease. Therefore, it has been classified as a Variant of Uncertain Significance.

Literature cited by the submitters: PubMed 17576681 (cited by Labcorp Genetics (formerly Invitae), Labcorp); PubMed 9536098 (cited by Labcorp Genetics (formerly Invitae), Labcorp).